The following is an entry in ClinVar:

ClinVar aggregate classification (germline): Conflicting classifications of pathogenicity. Review status: criteria provided, conflicting classifications (1 of 4 stars). 3 submissions from 3 submitters: Uncertain significance (1); Likely benign (2). Last evaluated 2023-11-10.

Conditions:
Hereditary cancer-predisposing syndrome. Also called: Neoplastic Syndromes, Hereditary; Hereditary Cancer Syndrome; Tumor predisposition; Hereditary neoplastic syndrome. Identifiers: Orphanet 140162, MedGen C0027672, MeSH D009386, MONDO:0015356.

Submissions (3):

Quest Diagnostics Nichols Institute San Juan Capistrano
Classification: Uncertain significance. Last evaluated: 2023-11-10. Review status: criteria provided, single submitter. Criteria: Quest Diagnostics criteria. Collection method: clinical testing. Allele origin: unknown.
Comment: The MSH6 c.2134T>C (p.Leu712=) synonymous variant has not been reported in individuals with MSH6-related conditions in the published literature. It also has not been reported in large, multi-ethnic general populations (Genome Aggregation Database). Analysis of this variant using software algorithms for the prediction of the effect of nucleotide changes on splicing yielded predictions that this variant does not affect MSH6 mRNA splicing. Based on the available information, we are unable to determine the clinical significance of this variant.

Ambry Genetics
Classification: Likely benign for Hereditary cancer-predisposing syndrome. Last evaluated: 2019-04-30. Review status: criteria provided, single submitter. Criteria: Ambry Variant Classification Scheme 2023. Collection method: clinical testing. Allele origin: germline.

Color Diagnostics, LLC DBA Color Health
Classification: Likely benign for Hereditary cancer-predisposing syndrome. Last evaluated: 2018-06-12. Review status: criteria provided, single submitter. Criteria: ACMG Guidelines, 2015. Collection method: clinical testing. Allele origin: germline.

NM_000179.3(MSH6):c.2134T>C (p.Leu712=)

Gene: MSH6 (mutS homolog 6; plus strand). Cytogenetic location: 2p16.3.
Variant type: single nucleotide variant.
Coding change: c.2134T>C on transcript NM_000179.3 (MANE Select); coding-DNA position 2134, T replaced by C.
Protein change: p.Leu712=; no amino-acid change (leucine 712 retained).
Molecular consequence: synonymous variant.
Genome position (GRCh38, 1-based): chr2:47,800,117, T>C. VCF-style: chr2-47800117-T-C. GRCh37 (hg19) VCF-style: chr2-48027256-T-C.
Other names: c.1744T>C, p.Leu582= (NM_001281492.2); c.1228T>C, p.Leu410= (NM_001281493.2, NM_001281494.2).
Identifiers: ClinVar variation 927351 (VCV000927351.5), dbSNP rs780570825, ClinGen allele CA46710386.